The following is an entry in ClinVar:

ClinVar aggregate classification (germline): Likely benign. Review status: criteria provided, multiple submitters, no conflicts (2 of 4 stars). 2 submissions from 2 submitters: Likely benign (2). Last evaluated 2026-04-01.

Conditions:
Bloom syndrome (BLM). Also called: Bloom-Torre-Machacek syndrome. Identifiers: Orphanet 125, MedGen C0005859, MONDO:0008876, OMIM 210900.

Allele frequency attached by ClinVar (database versions not stated): gnomAD 0.00001.
gnomAD v4.1: 1 of 1,579,550 alleles (0.000063%); highest among the groups gnomAD compares: East Asian, 0.0022%; no homozygotes.

Submissions (2):

CeGaT Center for Human Genetics Tuebingen
Classification: Likely benign. Last evaluated: 2026-04-01. Review status: criteria provided, single submitter. Criteria: CeGaT Center For Human Genetics Tuebingen Variant Classification Criteria Version 2. Collection method: clinical testing. Allele origin: germline. Affected: yes. Observed: 1 variant allele.
Comment: BLM: BP4, BP7

Labcorp Genetics (formerly Invitae), Labcorp
Classification: Likely benign for Bloom syndrome. Last evaluated: 2025-03-23. Review status: criteria provided, single submitter. Criteria: Invitae Variant Classification Sherloc (09022015). Collection method: clinical testing. Allele origin: germline.

NM_000057.4(BLM):c.1695T>C (p.Asp565=)

Gene: BLM (BLM RecQ like helicase; plus strand). Cytogenetic location: 15q26.1.
Variant type: single nucleotide variant.
Coding change: c.1695T>C on transcript NM_000057.4 (MANE Select); coding-DNA position 1695, T replaced by C.
Protein change: p.Asp565=; no amino-acid change (aspartic acid 565 retained).
Molecular consequence: synonymous variant.
Genome position (GRCh38, 1-based): chr15:90,761,068, T>C. VCF-style: chr15-90761068-T-C. GRCh37 (hg19) VCF-style: chr15-91304298-T-C.
Other names: c.1695T>C, p.Asp565= (NM_001287246.2, NM_001287247.2); c.570T>C, p.Asp190= (NM_001287248.2).
Identifiers: ClinVar variation 1129696 (VCV001129696.11), dbSNP rs1343910502, ClinGen allele CA492301677.